The following is an entry in ClinVar:

ClinVar aggregate classification (germline): Uncertain significance (1 of 4 stars; one submission).

gnomAD v4.1: 1 of 1,611,632 alleles (0.000062%); highest among the groups gnomAD compares: Non-Finnish European, 0.000085%; no homozygotes.

Submission:

Labcorp Genetics (formerly Invitae), Labcorp
Classification: Uncertain significance. Last evaluated: 2023-06-24. Review status: criteria provided, single submitter. Criteria: Invitae Variant Classification Sherloc (09022015). Collection method: clinical testing. Allele origin: germline.
Comment: ClinVar contains an entry for this variant (Variation ID: 1525352). Advanced modeling of protein sequence and biophysical properties (such as structural, functional, and spatial information, amino acid conservation, physicochemical variation, residue mobility, and thermodynamic stability) performed at Invitae indicates that this missense variant is not expected to disrupt COL9A2 protein function. In summary, the available evidence is currently insufficient to determine the role of this variant in disease. Therefore, it has been classified as a Variant of Uncertain Significance. This variant has not been reported in the literature in individuals affected with COL9A2-related conditions. This sequence change replaces valine, which is neutral and non-polar, with leucine, which is neutral and non-polar, at codon 506 of the COL9A2 protein (p.Val506Leu). This variant is not present in population databases (gnomAD no frequency).

NM_001852.4(COL9A2):c.1516G>C (p.Val506Leu)

Gene: COL9A2 (collagen type IX alpha 2 chain; minus strand). Cytogenetic location: 1p34.2.
Variant type: single nucleotide variant.
Coding change: c.1516G>C on transcript NM_001852.4 (MANE Select); coding-DNA position 1516, G replaced by C.
Protein change: p.Val506Leu; replaces valine 506 with leucine.
Molecular consequence: missense variant.
Genome position (GRCh38, 1-based): chr1:40,303,562, C>G on the plus strand (G>C on the coding strand, the complement: COL9A2 is on the minus strand). VCF-style: chr1-40303562-C-G. GRCh37 (hg19) VCF-style: chr1-40769234-C-G.
Other names: short protein forms V506L.
Identifiers: ClinVar variation 1525352 (VCV001525352.6), dbSNP rs1225104241, ClinGen allele CA339878020.